The following is an entry in ClinVar:

ClinVar aggregate classification (germline): Likely benign. Review status: criteria provided, multiple submitters, no conflicts (2 of 4 stars). 2 submissions from 2 submitters: Likely benign (2). Last evaluated 2025-09-10.

Conditions:
Dilated cardiomyopathy 1G (CMD1G). Identifiers: Orphanet 154, MedGen C1858763, MONDO:0011400, OMIM 604145.
Autosomal recessive limb-girdle muscular dystrophy type 2J (LGMDR10). Also called: MUSCULAR DYSTROPHY, LIMB-GIRDLE, AUTOSOMAL RECESSIVE 10; Limb-girdle muscular dystrophy, type 2J. Identifiers: Orphanet 140922, MedGen C1837342, MONDO:0012127, OMIM 608807.

Allele frequency attached by ClinVar (database versions not stated): gnomAD exomes below 0.00001; TOPMed below 0.00001.
gnomAD v4.1: 4 of 1,612,422 alleles (0.00025%); highest among the groups gnomAD compares: Middle Eastern, 0.017%; no homozygotes.

Submissions (2):

Labcorp Genetics (formerly Invitae), Labcorp
Classification: Likely benign for Dilated cardiomyopathy 1G; Autosomal recessive limb-girdle muscular dystrophy type 2J. Last evaluated: 2025-09-10. Review status: criteria provided, single submitter. Criteria: Invitae Variant Classification Sherloc (09022015). Collection method: clinical testing. Allele origin: germline.

GeneDx
Classification: Likely benign. Last evaluated: 2018-03-29. Review status: criteria provided, single submitter. Criteria: GeneDx Variant Classification (06012015). Collection method: clinical testing. Allele origin: germline. Affected: yes.
Comment: This variant is considered likely benign or benign based on one or more of the following criteria: it is a conservative change, it occurs at a poorly conserved position in the protein, it is predicted to be benign by multiple in silico algorithms, and/or has population frequency not consistent with disease.

NM_001267550.2(TTN):c.39464-17A>G

Gene: TTN (titin; minus strand). Cytogenetic location: 2q31.2.
Variant type: single nucleotide variant.
Coding change: c.39464-17A>G on transcript NM_001267550.2 (MANE Select); 17 bases into the intron before coding-DNA position 39464, A replaced by G.
Molecular consequence: intron variant.
Genome position (GRCh38, 1-based): chr2:178,651,553, T>C on the plus strand (A>G on the coding strand, the complement: TTN is on the minus strand). VCF-style: chr2-178651553-T-C. GRCh37 (hg19) VCF-style: chr2-179516280-T-C.
Other names: c.13283-9236A>G (NM_003319.4); c.13859-9236A>G (NM_133437.4); c.13658-9236A>G (NM_133432.3); c.32162-17A>G (NM_133378.4); c.34943-17A>G (NM_001256850.1).
Identifiers: ClinVar variation 681564 (VCV000681564.6), dbSNP rs1259394761, ClinGen allele CA538436611.